The following is an entry in ClinVar:

ClinVar aggregate classification (germline): Uncertain significance (1 of 4 stars; one submission).

Conditions:
Gastrointestinal stromal tumor. Also called: Gastrointestinal stroma tumor; Gastrointestinal stromal tumor, somatic. Identifiers: Orphanet 44890, MedGen C0238198, MeSH D046152, MONDO:0011719, OMIM 606764, HP:0100723.

Submission:

Labcorp Genetics (formerly Invitae), Labcorp
Classification: Uncertain significance for Gastrointestinal stromal tumor. Last evaluated: 2021-12-02. Review status: criteria provided, single submitter. Criteria: Invitae Variant Classification Sherloc (09022015). Collection method: clinical testing. Allele origin: germline.
Comment: This sequence change replaces asparagine, which is neutral and polar, with tyrosine, which is neutral and polar, at codon 786 of the PDGFRA protein (p.Asn786Tyr). This variant is not present in population databases (gnomAD no frequency). This variant has not been reported in the literature in individuals affected with PDGFRA-related conditions. Algorithms developed to predict the effect of missense changes on protein structure and function (SIFT, PolyPhen-2, Align-GVGD) all suggest that this variant is likely to be tolerated. In summary, the available evidence is currently insufficient to determine the role of this variant in disease. Therefore, it has been classified as a Variant of Uncertain Significance.

NM_006206.6(PDGFRA):c.2356A>T (p.Asn786Tyr)

Gene: PDGFRA (platelet derived growth factor receptor alpha; plus strand). Cytogenetic location: 4q12.
Variant type: single nucleotide variant.
Coding change: c.2356A>T on transcript NM_006206.6 (MANE Select); coding-DNA position 2356, A replaced by T.
Protein change: p.Asn786Tyr; replaces asparagine 786 with tyrosine.
Molecular consequence: missense variant.
Genome position (GRCh38, 1-based): chr4:54,285,403, A>T. VCF-style: chr4-54285403-A-T. GRCh37 (hg19) VCF-style: chr4-55151570-A-T.
Other names: c.2431A>T, p.Asn811Tyr (NM_001347828.2); c.2356A>T, p.Asn786Tyr (NM_001347829.2); c.2395A>T, p.Asn799Tyr (NM_001347830.2); short protein forms N799Y, N811Y, N786Y.
Identifiers: ClinVar variation 1492078 (VCV001492078.6), dbSNP rs1351841980, ClinGen allele CA356894649.
Genomic context (GRCh38, chr4:54,285,403, plus strand): 5'-ACCAATACATTTAATTTCTTTTCTGCAGACTCAGAAGTCAAAAACCTCCTTTCAGATGAT[A>T]ACTCAGAAGGCCTTACTTTATTGGATTTGTTGAGCTTCACCTATCAAGTTGCCCGAGGAA-3'
Protein context (NP_006197.1, residues 776-796): SEVKNLLSDD[Asn786Tyr]SEGLTLLDLL